The following is an entry in ClinVar:

NM_198525.3(KIF7):c.2914G>A (p.Val972Met)

Gene: KIF7 (kinesin family member 7; minus strand). Cytogenetic location: 15q26.1.
Variant type: single nucleotide variant.
Coding change: c.2914G>A on transcript NM_198525.3 (MANE Select); coding-DNA position 2914, G replaced by A.
Protein change: p.Val972Met; replaces valine 972 with methionine.
Molecular consequence: missense variant.
Genome position (GRCh38, 1-based): chr15:89,631,692, C>T on the plus strand (G>A on the coding strand, the complement: KIF7 is on the minus strand). VCF-style: chr15-89631692-C-T. GRCh37 (hg19) VCF-style: chr15-90174923-C-T.
Other names: short protein forms V972M.
Identifiers: ClinVar variation 2623788 (VCV002623788.4), dbSNP rs79839906, ClinGen allele CA7727883.

ClinVar aggregate classification (germline): Uncertain significance. Review status: criteria provided, multiple submitters, no conflicts (2 of 4 stars). 2 submissions from 2 submitters: Uncertain significance (2). Last evaluated 2024-05-04.

Conditions:
Inborn genetic diseases. Identifiers: MedGen C0950123, MeSH D030342.
Acrocallosal syndrome (ACLS). Also called: HALLUX DUPLICATION, POSTAXIAL POLYDACTYLY, AND ABSENCE OF CORPUS CALLOSUM; Schinzel syndrome 1; Absence of corpus callosum with unusual facial appearance, mental deficiency, duplication of the halluces and polydactyly. Identifiers: Orphanet 36, MedGen C0796147, MONDO:0008708, OMIM 200990.

Allele frequency attached by ClinVar (database versions not stated): 1000 Genomes Project 0.00040; 1000 Genomes Project 30x 0.00047; ESP Exome Variant Server 0.00008; ExAC 0.00010.
gnomAD v4.1: 28 of 1,554,588 alleles (0.0018%); highest among the groups gnomAD compares: African/African-American, 0.026%; no homozygotes.

Submissions (2):

Labcorp Genetics (formerly Invitae), Labcorp
Classification: Uncertain significance for Acrocallosal syndrome. Last evaluated: 2024-05-04. Review status: criteria provided, single submitter. Criteria: Invitae Variant Classification Sherloc (09022015). Collection method: clinical testing. Allele origin: germline.
Comment: This sequence change replaces valine, which is neutral and non-polar, with methionine, which is neutral and non-polar, at codon 972 of the KIF7 protein (p.Val972Met). The frequency data for this variant in the population databases is considered unreliable, as metrics indicate poor data quality at this position in the gnomAD database. This variant has not been reported in the literature in individuals affected with KIF7-related conditions. ClinVar contains an entry for this variant (Variation ID: 2623788). Advanced modeling of protein sequence and biophysical properties (such as structural, functional, and spatial information, amino acid conservation, physicochemical variation, residue mobility, and thermodynamic stability) performed at Invitae indicates that this missense variant is not expected to disrupt KIF7 protein function with a negative predictive value of 80%. In summary, the available evidence is currently insufficient to determine the role of this variant in disease. Therefore, it has been classified as a Variant of Uncertain Significance.

Ambry Genetics
Classification: Uncertain significance for Inborn genetic diseases. Last evaluated: 2023-09-13. Review status: criteria provided, single submitter. Criteria: Ambry Variant Classification Scheme 2023. Collection method: clinical testing. Allele origin: germline.